The following is an entry in ClinVar:

NM_001291303.3(FAT4):c.4567A>G (p.Asn1523Asp)

Gene: FAT4 (FAT atypical cadherin 4; plus strand). Cytogenetic location: 4q28.1.
Variant type: single nucleotide variant.
Coding change: c.4567A>G on transcript NM_001291303.3 (MANE Select); coding-DNA position 4567, A replaced by G.
Protein change: p.Asn1523Asp; replaces asparagine 1523 with aspartic acid.
Molecular consequence: missense variant.
Genome position (GRCh38, 1-based): chr4:125,320,978, A>G. VCF-style: chr4-125320978-A-G. GRCh37 (hg19) VCF-style: chr4-126242133-A-G.
Other names: c.4567A>G, p.Asn1523Asp (NM_001291285.3, NM_024582.6); short protein forms N1523D.
Identifiers: ClinVar variation 2655079 (VCV002655079.24), dbSNP rs1165691733, ClinGen allele CA358126930.

ClinVar aggregate classification (germline): Uncertain significance (1 of 4 stars; one submission).

Allele frequency attached by ClinVar (database versions not stated): gnomAD exomes below 0.00001.
gnomAD v4.1: 3 of 1,614,198 alleles (0.00019%); highest among the groups gnomAD compares: Middle Eastern, 0.016%; no homozygotes.

Submission:

CeGaT Center for Human Genetics Tuebingen
Classification: Uncertain significance. Last evaluated: 2023-09-01. Review status: criteria provided, single submitter. Criteria: CeGaT Center For Human Genetics Tuebingen Variant Classification Criteria Version 2. Collection method: clinical testing. Allele origin: germline. Affected: yes. Observed: 1 variant allele.
Comment: FAT4: PM2, PP3